The following is an entry in ClinVar:

ClinVar aggregate classification (germline): Pathogenic. Review status: criteria provided, multiple submitters, no conflicts (2 of 4 stars). 2 submissions from 2 submitters: Pathogenic (2). Last evaluated 2025-05-08.

Conditions:
Autosomal recessive osteopetrosis 1. Also called: TCIRG1-Related Autosomal Recessive Osteopetrosis; ALBERS-SCHONBERG DISEASE, AUTOSOMAL RECESSIVE; TCIRG1-Related Osteopetrosis. Identifiers: Orphanet 667, MedGen C1850127, MONDO:0009815, OMIM 259700.

Submissions (2):

Natera, Inc.
Classification: Pathogenic for Infantile malignant osteopetrosis. Last evaluated: 2025-05-08. Review status: criteria provided, single submitter. Criteria: Natera Variant Classification Schema (03/2026). Collection method: clinical testing. Allele origin: germline.
Comment: The c.1191del variant in TCIRG1 is a frameshift variant predicted to shift the reading frame beginning at codon 398 and leads to a stop codon 5 codons downstream. This variant is expected to result in nonsense mediated decay, truncation, or a dysfunctional protein product. This variant is rare in the general population with a frequency below the threshold expected for the associated phenotype(s). This variant has been observed in one or more individuals affected with the associated recessive disease, as either homozygous or compound heterozygous with a second variant (PMID: 30539151). Given the available evidence, this variant is classified as Pathogenic.

Labcorp Genetics (formerly Invitae), Labcorp
Classification: Pathogenic. Last evaluated: 2024-01-22. Review status: criteria provided, single submitter. Criteria: Invitae Variant Classification Sherloc (09022015). Collection method: clinical testing. Allele origin: germline.
Comment: This sequence change creates a premature translational stop signal (p.Phe398Serfs*5) in the TCIRG1 gene. It is expected to result in an absent or disrupted protein product. Loss-of-function variants in TCIRG1 are known to be pathogenic (PMID: 10888887, 10942435, 11532986, 19448635). This variant is not present in population databases (gnomAD no frequency). This premature translational stop signal has been observed in individual(s) with infantile malignant osteopetrosis (PMID: 30539151). For these reasons, this variant has been classified as Pathogenic.

Literature cited by the submitters: PubMed 30539151 (cited by Natera, Inc. and Labcorp Genetics (formerly Invitae), Labcorp); PubMed 10888887 (cited by Labcorp Genetics (formerly Invitae), Labcorp); PubMed 10942435 (cited by Labcorp Genetics (formerly Invitae), Labcorp); PubMed 11532986 (cited by Labcorp Genetics (formerly Invitae), Labcorp); PubMed 19448635 (cited by Labcorp Genetics (formerly Invitae), Labcorp).

NM_006019.4(TCIRG1):c.1191del (p.Phe398fs)

Gene: TCIRG1 (T cell immune regulator 1, ATPase H+ transporting V0 subunit a3; plus strand). Cytogenetic location: 11q13.2.
Variant type: Deletion.
Coding change: c.1191del on transcript NM_006019.4 (MANE Select); coding-DNA position 1191, one base deleted (C; older notation c.1191delC).
Protein change: p.Phe398fs; shifts the reading frame from phenylalanine 398.
Molecular consequence: frameshift variant.
Genome position (GRCh38, 1-based): chr11:68,047,458, C deleted; the last of 4 consecutive C bases (chr11:68,047,455-68,047,458); deleting any one gives the same sequence. VCF-style (leftmost placement, unchanged base first): chr11-68047454-TC-T. GRCh37 (hg19) VCF-style: chr11-67814921-TC-T.
Other names: c.297del, p.Phe100fs (NM_001351059.2); c.543del, p.Phe182fs (NM_006053.4); c.1191del (NM_006019.3); short protein forms F182fs, F100fs, F398fs.
Identifiers: ClinVar variation 2972684 (VCV002972684.5), dbSNP rs2495644078, ClinGen allele CA2580611013.